The following is an entry in ClinVar:

NM_001134363.3(RBM20):c.2849C>G (p.Thr950Arg)

Gene: RBM20 (RNA binding motif protein 20; plus strand). Cytogenetic location: 10q25.2.
Variant type: single nucleotide variant.
Coding change: c.2849C>G on transcript NM_001134363.3 (MANE Select); coding-DNA position 2849, C replaced by G.
Protein change: p.Thr950Arg; replaces threonine 950 with arginine.
Molecular consequence: missense variant.
Genome position (GRCh38, 1-based): chr10:110,821,468, C>G. VCF-style: chr10-110821468-C-G. GRCh37 (hg19) VCF-style: chr10-112581226-C-G.
Other names: short protein forms T950R.
Identifiers: ClinVar variation 2117808 (VCV002117808.4), dbSNP rs2493493792, ClinGen allele CA378378015.

ClinVar aggregate classification (germline): Uncertain significance (1 of 4 stars; one submission).

Conditions:
Dilated cardiomyopathy 1DD (CMD1DD). Identifiers: Orphanet 154, MedGen C2750995, MONDO:0013168, OMIM 613172.

Submission:

Labcorp Genetics (formerly Invitae), Labcorp
Classification: Uncertain significance for Dilated cardiomyopathy 1DD. Last evaluated: 2022-09-06. Review status: criteria provided, single submitter. Criteria: Invitae Variant Classification Sherloc (09022015). Collection method: clinical testing. Allele origin: germline.
Comment: This sequence change replaces threonine, which is neutral and polar, with arginine, which is basic and polar, at codon 950 of the RBM20 protein (p.Thr950Arg). This variant is not present in population databases (gnomAD no frequency). This variant has not been reported in the literature in individuals affected with RBM20-related conditions. Advanced modeling of protein sequence and biophysical properties (such as structural, functional, and spatial information, amino acid conservation, physicochemical variation, residue mobility, and thermodynamic stability) performed at Invitae indicates that this missense variant is not expected to disrupt RBM20 protein function. In summary, the available evidence is currently insufficient to determine the role of this variant in disease. Therefore, it has been classified as a Variant of Uncertain Significance.